The following is an entry in ClinVar:

NM_000540.3(RYR1):c.10659_10660delinsCT (p.His3554Tyr)

Gene: RYR1 (ryanodine receptor 1; plus strand). Cytogenetic location: 19q13.2.
Variant type: Indel.
Coding change: c.10659_10660delinsCT on transcript NM_000540.3 (MANE Select); coding-DNA positions 10659 to 10660, GC replaced by CT.
Protein change: p.His3554Tyr; replaces histidine 3554 with tyrosine.
Molecular consequence: missense variant.
Genome position (GRCh38, 1-based): chr19:38,527,025-38,527,026, GC replaced by CT. VCF-style: chr19-38527025-GC-CT. GRCh37 (hg19) VCF-style: chr19-39017665-GC-CT.
Other names: c.10644_10645delinsCT, p.His3549Tyr (NM_001042723.2); short protein forms H3549Y, H3554Y.
Identifiers: ClinVar variation 4757369 (VCV004757369.1).

ClinVar aggregate classification (germline): Uncertain significance (1 of 4 stars; one submission).

Conditions:
Malignant hyperthermia, susceptibility to, 1 (MHS1). Also called: RYR1-Related Malignant Hyperthermia Susceptibility; Malignant hyperthermia suceptibility 1; Anesthesia related hyperthermia; Malignant hyperpyrexia; Fulminating hyperpyrexia; Pharmacogenic myopathy. Identifiers: Orphanet 423, MedGen C2930980, MONDO:0007783, OMIM 145600.

Submission:

Color Diagnostics, LLC DBA Color Health
Classification: Uncertain significance for Malignant hyperthermia, susceptibility to, 1. Last evaluated: 2025-07-07. Review status: criteria provided, single submitter. Criteria: ACMG Guidelines, 2015. Collection method: clinical testing. Allele origin: germline.
Comment: This missense variant replaces histidine with tyrosine at codon 3554 of the RYR1 protein. To our knowledge, functional studies have not been reported for this variant. This variant has not been reported in individuals affected with RYR1-related disorders in the literature. This variant has not been identified in the general population by the Genome Aggregation Database (gnomAD). The available evidence is insufficient to determine the role of this variant in disease conclusively. Therefore, this variant is classified as a Variant of Uncertain Significance.